The following is an entry in ClinVar:

NM_003074.4(SMARCC1):c.1979A>G (p.His660Arg)

Gene: SMARCC1 (SWI/SNF related BAF chromatin remodeling complex subunit C1; minus strand). Cytogenetic location: 3p21.31.
Variant type: single nucleotide variant.
Coding change: c.1979A>G on transcript NM_003074.4 (MANE Select); coding-DNA position 1979, A replaced by G.
Protein change: p.His660Arg; replaces histidine 660 with arginine.
Molecular consequence: missense variant.
Genome position (GRCh38, 1-based): chr3:47,662,513, T>C on the plus strand (A>G on the coding strand, the complement: SMARCC1 is on the minus strand). VCF-style: chr3-47662513-T-C. GRCh37 (hg19) VCF-style: chr3-47704003-T-C.
Other names: short protein forms H660R.
Identifiers: ClinVar variation 4975583 (VCV004975583.1).

ClinVar aggregate classification (germline): Uncertain significance (1 of 4 stars; one submission).

Submission:

GeneDx
Classification: Uncertain significance. Last evaluated: 2026-01-24. Review status: criteria provided, single submitter. Criteria: GeneDx Variant Classification Process June 2021. Collection method: clinical testing. Allele origin: germline.
Comment: Not observed at significant frequency in large population cohorts (gnomAD); In silico analysis supports that this missense variant has a deleterious effect on protein structure/function; Has not been previously published as pathogenic or benign to our knowledge